The following is an entry in ClinVar:

ClinVar aggregate classification (germline): Likely pathogenic (1 of 4 stars; one submission).

Conditions:
Menke-Hennekam syndrome 1 (MKHK1). Identifiers: MedGen C5193034, MONDO:0020763, OMIM 618332.
Rubinstein-Taybi syndrome due to CREBBP mutations (RSTS1). Also called: BROAD THUMB-HALLUX SYNDROME; BROAD THUMBS AND GREAT TOES, CHARACTERISTIC FACIES, AND IMPAIRED INTELLECTUAL DEVELOPMENT; RUBINSTEIN SYNDROME; RUBINSTEIN-TAYBI SYNDROME 1, INCOMPLETE; CREBBP-Related Rubinstein-Taybi Syndrome; Rubinstein-Taybi syndrome 1. Identifiers: Orphanet 353277, Orphanet 783, MedGen C4551859, MONDO:0008393, OMIM 180849.

Submission:

Juno Genomics, Hangzhou Juno Genomics, Inc
Classification: Likely pathogenic for Menke-Hennekam syndrome 1; Rubinstein-Taybi syndrome due to CREBBP mutations. Review status: criteria provided, single submitter. Criteria: ACMG Guidelines, 2015. Collection method: clinical testing. Allele origin: germline.
Comment: Null variant in a gene where loss of function (LOF) is a known mechanism of disease.;Absent from controls (or at extremely low frequency if recessive) in Genome Aggregation Database.

NM_004380.3(CREBBP):c.886C>T (p.Gln296Ter)

Gene: CREBBP (CREB binding lysine acetyltransferase; minus strand). Cytogenetic location: 16p13.3.
Variant type: single nucleotide variant.
Coding change: c.886C>T on transcript NM_004380.3 (MANE Select); coding-DNA position 886, C replaced by T.
Protein change: p.Gln296Ter; replaces glutamine 296 with a stop codon.
Molecular consequence: nonsense.
Genome position (GRCh38, 1-based): chr16:3,810,692, G>A on the plus strand (C>T on the coding strand, the complement: CREBBP is on the minus strand). VCF-style: chr16-3810692-G-A. GRCh37 (hg19) VCF-style: chr16-3860693-G-A.
Other names: c.886C>T, p.Gln296Ter (NM_001079846.1); short protein forms Q296*.
Identifiers: ClinVar variation 5005585 (VCV005005585.2).